The following is an entry in ClinVar:

Conditions:
Arteriohepatic dysplasia. Also called: Alagille Syndrome. Identifiers: Orphanet 52, MedGen C0085280, MeSH D016738, MONDO:0007318.

Submission:

Gilbert/Spinner Lab, Children's Hospital of Philadelphia
No classification provided (evidence only). Condition: Alagille syndrome. Review status: no classification provided. Collection method: research. Allele origin: not applicable. Functional consequence: functionally_abnormal.
ClinVar note: "not provided" was previously submitted as the classification for the variant. However, the classification appeared to be based only on an observation of functional data so it was converted to no classification on 2025-07-30.

NM_000214.3(JAG1):c.508C>A (p.Leu170Met)

Gene: JAG1 (jagged canonical Notch ligand 1; minus strand). Cytogenetic location: 20p12.2.
Variant type: single nucleotide variant.
Coding change: c.508C>A on transcript NM_000214.3 (MANE Select); coding-DNA position 508, C replaced by A.
Protein change: p.Leu170Met; replaces leucine 170 with methionine.
Molecular consequence: missense variant.
Genome position (GRCh38, 1-based): chr20:10,658,654, G>T on the plus strand (C>A on the coding strand, the complement: JAG1 is on the minus strand). VCF-style: chr20-10658654-G-T. GRCh37 (hg19) VCF-style: chr20-10639302-G-T.
Other names: short protein forms L170M.
Identifiers: ClinVar variation 3573049 (VCV003573049.2).